The following is an entry in ClinVar:

NM_001164277.2(SLC37A4):c.11del (p.Gln4fs)

Gene: SLC37A4 (solute carrier family 37 member 4; minus strand). Cytogenetic location: 11q23.3.
Variant type: Deletion.
Coding change: c.11del on transcript NM_001164277.2 (MANE Select); coding-DNA position 11, one base deleted (A; older notation c.11delA).
Protein change: p.Gln4fs; shifts the reading frame from glutamine 4.
Molecular consequence: frameshift variant. On other transcripts: intron variant (1).
Genome position (GRCh38, 1-based): chr11:119,029,359, T deleted on the plus strand (A on the coding strand, the reverse complement: SLC37A4 is on the minus strand). VCF-style (leftmost placement, unchanged base first): chr11-119029358-CT-C. GRCh37 (hg19) VCF-style: chr11-118900068-CT-C.
Other names: c.11del, p.Gln4fs (NM_001164278.2, NM_001164280.2, NM_001467.6); c.-172+33del (NM_001164279.2); short protein forms Q4fs.
Identifiers: ClinVar variation 1426093 (VCV001426093.6), dbSNP rs2134644472, ClinGen allele CA2573146959.
Genomic context (GRCh38, chr11:119,029,358, plus strand): 5'-ATACAGGCTGTAGCCCCCAAACATGGCTGAGAAGATCACAGTGCGATAATAGCCATAGCC[CT>C]GGGCTGCCATGGTAGAAAAGAGCAGGCCCTACCAGCCAAGACGCACAGCCTCTGACCACA-3'

ClinVar aggregate classification (germline): Pathogenic (1 of 4 stars; one submission).

Conditions:
Glucose-6-phosphate transport defect (GSD1B). Also called: Glycogen Storage Disease Type Ib; GSD Ib. Identifiers: Orphanet 364, Orphanet 79259, MedGen C0268146, MONDO:0009288, OMIM 232220.

Submission:

Labcorp Genetics (formerly Invitae), Labcorp
Classification: Pathogenic for Glucose-6-phosphate transport defect. Last evaluated: 2022-07-11. Review status: criteria provided, single submitter. Criteria: Invitae Variant Classification Sherloc (09022015). Collection method: clinical testing. Allele origin: germline.
Comment: This variant is not present in population databases (gnomAD no frequency). This variant has not been reported in the literature in individuals affected with SLC37A4-related conditions. ClinVar contains an entry for this variant (Variation ID: 1426093). For these reasons, this variant has been classified as Pathogenic. This sequence change creates a premature translational stop signal (p.Gln4Argfs*9) in the SLC37A4 gene. It is expected to result in an absent or disrupted protein product. Loss-of-function variants in SLC37A4 are known to be pathogenic (PMID: 9758626, 10940311).

Literature cited by the submitters: PubMed 9758626; PubMed 10940311.